The following is an entry in ClinVar:

NM_005445.4(SMC3):c.429+9A>G

Gene: SMC3 (structural maintenance of chromosomes 3; plus strand). Cytogenetic location: 10q25.2.
Variant type: single nucleotide variant.
Coding change: c.429+9A>G on transcript NM_005445.4 (MANE Select); 9 bases into the intron after coding-DNA position 429, A replaced by G.
Molecular consequence: intron variant.
Genome position (GRCh38, 1-based): chr10:110,578,715, A>G. VCF-style: chr10-110578715-A-G. GRCh37 (hg19) VCF-style: chr10-112338473-A-G.
Identifiers: ClinVar variation 2742184 (VCV002742184.3), dbSNP rs1395433925, ClinGen allele CA595712989.

ClinVar aggregate classification (germline): Uncertain significance (1 of 4 stars; one submission).

Conditions:
Cornelia de Lange syndrome 3 (CDLS3). Also called: SMC3-Related Cornelia de Lange Syndrome; CORNELIA DE LANGE SYNDROME 3 WITH OR WITHOUT MIDLINE BRAIN DEFECTS. Identifiers: Orphanet 199, MedGen C1853099, MONDO:0012555, OMIM 610759.

Allele frequency attached by ClinVar (database versions not stated): gnomAD 0.00001.
gnomAD v4.1: 18 of 1,575,938 alleles (0.0011%); highest among the groups gnomAD compares: East Asian, 0.0045%; no homozygotes.

Submission:

Labcorp Genetics (formerly Invitae), Labcorp
Classification: Uncertain significance for Cornelia de Lange syndrome 3. Last evaluated: 2023-02-01. Review status: criteria provided, single submitter. Criteria: Invitae Variant Classification Sherloc (09022015). Collection method: clinical testing. Allele origin: germline.
Comment: Algorithms developed to predict the effect of sequence changes on RNA splicing suggest that this variant may disrupt the consensus splice site. This variant has not been reported in the literature in individuals affected with SMC3-related conditions. This variant is present in population databases (no rsID available, gnomAD 0.001%). This sequence change falls in intron 7 of the SMC3 gene. It does not directly change the encoded amino acid sequence of the SMC3 protein. In summary, the available evidence is currently insufficient to determine the role of this variant in disease. Therefore, it has been classified as a Variant of Uncertain Significance.